The following is an entry in ClinVar:

ClinVar aggregate classification (germline): Uncertain significance (1 of 4 stars; one submission).

Conditions:
Holocarboxylase synthetase deficiency. Also called: MULTIPLE CARBOXYLASE DEFICIENCY, EARLY ONSET. Identifiers: Orphanet 79242, MedGen C0268581, MONDO:0009666, OMIM 253270.

Allele frequency attached by ClinVar (database versions not stated): gnomAD 0.00001; gnomAD exomes 0.00001 and 0.00002.
gnomAD v4.1: 26 of 1,614,030 alleles (0.0016%); highest among the groups gnomAD compares: Non-Finnish European, 0.0021%; no homozygotes.

Submission:

Labcorp Genetics (formerly Invitae), Labcorp
Classification: Uncertain significance for Holocarboxylase synthetase deficiency. Last evaluated: 2021-09-17. Review status: criteria provided, single submitter. Criteria: Invitae Variant Classification Sherloc (09022015). Collection method: clinical testing. Allele origin: germline.
Comment: This sequence change replaces isoleucine with valine at codon 117 of the HLCS protein (p.Ile117Val). The isoleucine residue is moderately conserved and there is a small physicochemical difference between isoleucine and valine. This variant is not present in population databases (ExAC no frequency). This variant has not been reported in the literature in individuals with HLCS-related conditions. Algorithms developed to predict the effect of missense changes on protein structure and function are either unavailable or do not agree on the potential impact of this missense change (SIFT: "Tolerated"; PolyPhen-2: "Probably Damaging"; Align-GVGD: "Class C0"). In summary, the available evidence is currently insufficient to determine the role of this variant in disease. Therefore, it has been classified as a Variant of Uncertain Significance.

NM_001352514.2(HLCS):c.790A>G (p.Ile264Val)

Gene: HLCS (holocarboxylase synthetase; minus strand). Cytogenetic location: 21q22.13.
Variant type: single nucleotide variant.
Coding change: c.790A>G on transcript NM_001352514.2 (MANE Select); coding-DNA position 790, A replaced by G.
Protein change: p.Ile264Val; replaces isoleucine 264 with valine.
Molecular consequence: missense variant. On other transcripts: non-coding transcript variant (2).
Genome position (GRCh38, 1-based): chr21:36,937,096, T>C on the plus strand (A>G on the coding strand, the complement: HLCS is on the minus strand). VCF-style: chr21-36937096-T-C. GRCh37 (hg19) VCF-style: chr21-38309396-T-C.
Other names: c.349A>G, p.Ile117Val (NM_000411.8, NM_001242784.3, NM_001242785.2 and 4 more transcripts); short protein forms I117V, I264V.
Identifiers: ClinVar variation 1398771 (VCV001398771.5), dbSNP rs1342427477, ClinGen allele CA409913237.